The following is an entry in ClinVar:

ClinVar aggregate classification (germline): Uncertain significance (1 of 4 stars; one submission).

Submission:

Labcorp Genetics (formerly Invitae), Labcorp
Classification: Uncertain significance. Last evaluated: 2025-06-29. Review status: criteria provided, single submitter. Criteria: Invitae Variant Classification Sherloc (09022015). Collection method: clinical testing. Allele origin: germline.
Comment: This sequence change replaces glutamic acid, which is acidic and polar, with valine, which is neutral and non-polar, at codon 369 of the MICAL1 protein (p.Glu369Val). This variant is not present in population databases (gnomAD no frequency). This variant has not been reported in the literature in individuals affected with MICAL1-related conditions. An algorithm developed to predict the effect of missense changes on protein structure and function (PolyPhen-2) suggests that this variant is likely to be tolerated. In summary, the available evidence is currently insufficient to determine the role of this variant in disease. Therefore, it has been classified as a Variant of Uncertain Significance.

NM_022765.4(MICAL1):c.1049A>T (p.Glu350Val)

Gene: MICAL1 (microtubule associated monooxygenase, calponin and LIM domain containing 1; minus strand). Cytogenetic location: 6q21.
Variant type: single nucleotide variant.
Coding change: c.1049A>T on transcript NM_022765.4 (MANE Select); coding-DNA position 1049, A replaced by T.
Protein change: p.Glu350Val; replaces glutamic acid 350 with valine.
Molecular consequence: missense variant. On other transcripts: intron variant (1).
Genome position (GRCh38, 1-based): chr6:109,450,442, T>A on the plus strand (A>T on the coding strand, the complement: MICAL1 is on the minus strand). VCF-style: chr6-109450442-T-A. GRCh37 (hg19) VCF-style: chr6-109771645-T-A.
Other names: c.1106A>T, p.Glu369Val (NM_001286613.2); c.934-357A>T (NM_001159291.2); short protein forms E350V, E369V.
Identifiers: ClinVar variation 4722270 (VCV004722270.1).